The following is an entry in ClinVar:

NM_004539.4(NARS1):c.1218G>T (p.Lys406Asn)

Gene: NARS1 (asparaginyl-tRNA synthetase 1; minus strand). Cytogenetic location: 18q21.31.
Variant type: single nucleotide variant.
Coding change: c.1218G>T on transcript NM_004539.4 (MANE Select); coding-DNA position 1218, G replaced by T.
Protein change: p.Lys406Asn; replaces lysine 406 with asparagine.
Molecular consequence: missense variant.
Genome position (GRCh38, 1-based): chr18:57,605,890, C>A on the plus strand (G>T on the coding strand, the complement: NARS1 is on the minus strand). VCF-style: chr18-57605890-C-A. GRCh37 (hg19) VCF-style: chr18-55273122-C-A.
Other names: short protein forms K406N.
Identifiers: ClinVar variation 1810470 (VCV001810470.1), dbSNP rs2511568886, ClinGen allele CA402545488.

ClinVar aggregate classification (germline): Uncertain significance (1 of 4 stars; one submission).

Submission:

GeneDx
Classification: Uncertain significance. Last evaluated: 2022-07-07. Review status: criteria provided, single submitter. Criteria: GeneDx Variant Classification Process June 2021. Collection method: clinical testing. Allele origin: germline. Affected: yes.
Comment: Not observed at significant frequency in large population cohorts (gnomAD); In silico analysis supports that this missense variant does not alter protein structure/function; Has not been previously published as pathogenic or benign to our knowledge